The following is an entry in ClinVar:

NM_001128178.3(NPHP1):c.684A>G (p.Val228=)

Gene: NPHP1 (nephrocystin 1; minus strand). Cytogenetic location: 2q13.
Variant type: single nucleotide variant.
Coding change: c.684A>G on transcript NM_001128178.3 (MANE Select); coding-DNA position 684, A replaced by G.
Protein change: p.Val228=; no amino-acid change (valine 228 retained).
Molecular consequence: synonymous variant.
Genome position (GRCh38, 1-based): chr2:110,165,096, T>C on the plus strand (A>G on the coding strand, the complement: NPHP1 is on the minus strand). VCF-style: chr2-110165096-T-C. GRCh37 (hg19) VCF-style: chr2-110922673-T-C.
Other names: c.684A>G, p.Val228= (NM_000272.5, NM_001374256.1, NM_001374257.1 and 1 more transcripts); c.498A>G, p.Val166= (NM_001128179.3).
Identifiers: ClinVar variation 1626677 (VCV001626677.31), dbSNP rs138705625, ClinGen allele CA1827312.

ClinVar aggregate classification (germline): Likely benign. Review status: criteria provided, multiple submitters, no conflicts (2 of 4 stars). 3 submissions from 3 submitters: Likely benign (3). Last evaluated 2025-06-25.

Conditions:
Nephronophthisis. Also called: Juvenile Nephronophthisis. Identifiers: Orphanet 655, MedGen C0687120, MONDO:0019005, HP:0000090.

Allele frequency attached by ClinVar (database versions not stated): gnomAD exomes below 0.00001 and 0.00001; TOPMed 0.00001; ExAC 0.00002; ESP Exome Variant Server 0.00008.
gnomAD v4.1: 9 of 1,613,896 alleles (0.00056%); highest among the groups gnomAD compares: Non-Finnish European, 0.00076%; no homozygotes.

Submissions (3):

Labcorp Genetics (formerly Invitae), Labcorp
Classification: Likely benign for Nephronophthisis. Last evaluated: 2025-06-25. Review status: criteria provided, single submitter. Criteria: Invitae Variant Classification Sherloc (09022015). Collection method: clinical testing. Allele origin: germline.

CeGaT Center for Human Genetics Tuebingen
Classification: Likely benign. Last evaluated: 2024-02-01. Review status: criteria provided, single submitter. Criteria: CeGaT Center For Human Genetics Tuebingen Variant Classification Criteria Version 2. Collection method: clinical testing. Allele origin: germline. Affected: yes. Observed: 1 variant allele.
Comment: NPHP1: BP4, BP7

Blueprint Genetics
Classification: Likely benign. Last evaluated: 2023-11-20. Review status: criteria provided, single submitter. Criteria: ACMG Guidelines, 2015. Collection method: clinical testing. Allele origin: germline.